The following is an entry in ClinVar:

ClinVar aggregate classification (germline): Pathogenic (1 of 4 stars; one submission).

Conditions:
Alport syndrome. Also called: Hemorrhagic familial nephritis; Hemorrhagic hereditary nephritis; Congenital hereditary hematuria. Identifiers: Orphanet 63, MedGen C1567741, MONDO:0018965.

Submission:

Natera, Inc.
Classification: Pathogenic for Alport syndrome. Last evaluated: 2025-02-28. Review status: criteria provided, single submitter. Criteria: Natera Variant Classification Schema (03/2026). Collection method: clinical testing. Allele origin: germline.
Comment: The c.71+1G>C variant in COL4A4 is a canonical splice donor site variant predicted to affect pre-mRNA splicing, which may result in an abnormal transcript and altered protein product. This variant is expected to result in nonsense mediated decay, truncation, or a dysfunctional protein product. This variant is rare in the general population with a frequency below the threshold expected for the associated phenotype(s). Another variant at this same site results in an alteration predicted to cause a similar molecular effect has been observed in individual(s) with the associated phenotype. Given the available evidence, this variant is classified as Pathogenic.

NM_000092.5(COL4A4):c.71+1G>C

Gene: COL4A4 (collagen type IV alpha 4 chain; minus strand). Cytogenetic location: 2q36.3.
Variant type: single nucleotide variant.
Coding change: c.71+1G>C on transcript NM_000092.5 (MANE Select); the canonical splice donor site of the intron after coding-DNA position 71, G replaced by C.
Molecular consequence: splice donor variant.
Genome position (GRCh38, 1-based): chr2:227,147,412, C>G on the plus strand (G>C on the coding strand, the complement: COL4A4 is on the minus strand). VCF-style: chr2-227147412-C-G. GRCh37 (hg19) VCF-style: chr2-228012128-C-G.
Identifiers: ClinVar variation 4065038 (VCV004065038.2).